The following is an entry in ClinVar:

NM_198506.5(LRIT3):c.1463A>G (p.Glu488Gly)

Gene: LRIT3 (leucine rich repeat, Ig-like and transmembrane domains 3; plus strand). Cytogenetic location: 4q25.
Variant type: single nucleotide variant.
Coding change: c.1463A>G on transcript NM_198506.5 (MANE Select); coding-DNA position 1463, A replaced by G.
Protein change: p.Glu488Gly; replaces glutamic acid 488 with glycine.
Molecular consequence: missense variant.
Genome position (GRCh38, 1-based): chr4:109,870,212, A>G. VCF-style: chr4-109870212-A-G. GRCh37 (hg19) VCF-style: chr4-110791368-A-G.
Other names: short protein forms E488G.
Identifiers: ClinVar variation 1931423 (VCV001931423.5), dbSNP rs2545590029, ClinGen allele CA357871396.
Genomic context (GRCh38, chr4:109,870,212, plus strand): 5'-AGAAAGAAGAGCTGGCATTGTTGGATCAAACAATGCTTACGGAGACAAATGCCGCAATAG[A>G]AAACCTCAGGGTGGTCAGTGAGACTAAAGAGAGTGTGACATTGACGTGGAATATGATCAA-3'
Protein context (NP_940908.3, residues 478-498): TMLTETNAAI[Glu488Gly]NLRVVSETKE

ClinVar aggregate classification (germline): Uncertain significance (1 of 4 stars; one submission).

Allele frequency attached by ClinVar (database versions not stated): gnomAD exomes below 0.00001.

Submission:

Labcorp Genetics (formerly Invitae), Labcorp
Classification: Uncertain significance. Last evaluated: 2023-05-15. Review status: criteria provided, single submitter. Criteria: Invitae Variant Classification Sherloc (09022015). Collection method: clinical testing. Allele origin: germline.
Comment: This sequence change replaces glutamic acid, which is acidic and polar, with glycine, which is neutral and non-polar, at codon 488 of the LRIT3 protein (p.Glu488Gly). This variant is not present in population databases (gnomAD no frequency). This variant has not been reported in the literature in individuals affected with LRIT3-related conditions. ClinVar contains an entry for this variant (Variation ID: 1931423). Algorithms developed to predict the effect of missense changes on protein structure and function output the following: SIFT: "Not Available"; PolyPhen-2: "Benign"; Align-GVGD: "Not Available". The glycine amino acid residue is found in multiple mammalian species, which suggests that this missense change does not adversely affect protein function. In summary, the available evidence is currently insufficient to determine the role of this variant in disease. Therefore, it has been classified as a Variant of Uncertain Significance.